The following is an entry in ClinVar:

NM_020778.5(ALPK3):c.1502C>T (p.Ser501Phe)

Genes: ALPK3 (alpha kinase 3; plus strand), LOC111718493 (skeletal muscle cis-regulatory module overlapping ALPK3; plus strand). Cytogenetic location: 15q25.3.
Variant type: single nucleotide variant.
Coding change: c.1502C>T on transcript NM_020778.5 (MANE Select); coding-DNA position 1502, C replaced by T.
Protein change: p.Ser501Phe; replaces serine 501 with phenylalanine.
Molecular consequence: missense variant.
Genome position (GRCh38, 1-based): chr15:84,840,781, C>T. VCF-style: chr15-84840781-C-T. GRCh37 (hg19) VCF-style: chr15-85384012-C-T.
Other names: short protein forms S501F.
Identifiers: ClinVar variation 3010567 (VCV003010567.3), dbSNP rs1963654211, ClinGen allele CA393375764.
Genomic context (GRCh38, chr15:84,840,781, plus strand): 5'-AGAGATTTGCCCCTCCAAAGCCCAAAGGAGAGGCCACCACTGACAGCAAGCCCATTTCTT[C>T]TCTGAGTCAAGCTCCAGAATGCGGGGCCCAGAGCTTAGGAAAGGCCCCACCTCAGGCCTC-3'
Protein context (NP_065829.4, residues 491-511): EATTDSKPIS[Ser501Phe]LSQAPECGAQ

ClinVar aggregate classification (germline): Uncertain significance (1 of 4 stars; one submission).

Allele frequency attached by ClinVar (database versions not stated): TOPMed below 0.00001; gnomAD 0.00001.
gnomAD v4.1: 4 of 1,614,136 alleles (0.00025%); highest among the groups gnomAD compares: African/African-American, 0.0013%; no homozygotes.

Submission:

Labcorp Genetics (formerly Invitae), Labcorp
Classification: Uncertain significance. Last evaluated: 2022-12-16. Review status: criteria provided, single submitter. Criteria: Invitae Variant Classification Sherloc (09022015). Collection method: clinical testing. Allele origin: germline.
Comment: This sequence change replaces serine, which is neutral and polar, with phenylalanine, which is neutral and non-polar, at codon 703 of the ALPK3 protein (p.Ser703Phe). This variant is not present in population databases (gnomAD no frequency). This variant has not been reported in the literature in individuals affected with ALPK3-related conditions. Algorithms developed to predict the effect of missense changes on protein structure and function are either unavailable or do not agree on the potential impact of this missense change (SIFT: "Deleterious"; PolyPhen-2: "Possibly Damaging"; Align-GVGD: "Class C0"). In summary, the available evidence is currently insufficient to determine the role of this variant in disease. Therefore, it has been classified as a Variant of Uncertain Significance.